The following is an entry in ClinVar:

ClinVar aggregate classification (germline): Likely benign (1 of 4 stars; one submission).

Allele frequency attached by ClinVar (database versions not stated): TOPMed 0.00001; gnomAD 0.00003; ExAC 0.00005.
gnomAD v4.1: 17 of 1,552,500 alleles (0.0011%); highest among the groups gnomAD compares: Admixed American, 0.002%; no homozygotes.

Submission:

CeGaT Center for Human Genetics Tuebingen
Classification: Likely benign. Last evaluated: 2024-02-01. Review status: criteria provided, single submitter. Criteria: CeGaT Center For Human Genetics Tuebingen Variant Classification Criteria Version 2. Collection method: clinical testing. Allele origin: germline. Affected: yes. Observed: 1 variant allele.
Comment: NHLRC2: BP4, BP7

NM_198514.4(NHLRC2):c.159A>T (p.Ser53=)

Genes: NHLRC2 (NHL repeat containing 2; plus strand), LOC130004775 (ATAC-STARR-seq lymphoblastoid silent region 2838; plus strand). Cytogenetic location: 10q25.3.
Variant type: single nucleotide variant.
Coding change: c.159A>T on transcript NM_198514.4 (MANE Select); coding-DNA position 159, A replaced by T.
Protein change: p.Ser53=; no amino-acid change (serine 53 retained).
Molecular consequence: synonymous variant.
Genome position (GRCh38, 1-based): chr10:113,855,031, A>T. VCF-style: chr10-113855031-A-T. GRCh37 (hg19) VCF-style: chr10-115614790-A-T.
Identifiers: ClinVar variation 3026153 (VCV003026153.22), dbSNP rs771618175, ClinGen allele CA5697702.